The following is an entry in ClinVar:

ClinVar aggregate classification (germline): Uncertain significance (1 of 4 stars; one submission).

Conditions:
Hereditary breast ovarian cancer syndrome. Also called: Hereditary breast and ovarian cancer syndrome (HBOC); Breast and ovarian cancer; BRCA1- and BRCA2-Associated Hereditary Breast and Ovarian Cancer; Hereditary breast and ovarian cancer syndrome; Hereditary breast and ovarian cancer; Hereditary breast and/or ovarian cancer syndrome. Identifiers: Orphanet 145, MedGen C0677776, MeSH D061325, MONDO:0003582. Disease mechanism: loss of function.

Submission:

Labcorp Genetics (formerly Invitae), Labcorp
Classification: Uncertain significance for Hereditary breast ovarian cancer syndrome. Last evaluated: 2023-03-08. Review status: criteria provided, single submitter. Criteria: Invitae Variant Classification Sherloc (09022015). Collection method: clinical testing. Allele origin: germline.
Comment: Information on the frequency of this variant in the gnomAD database is not available, as this variant may be reported differently in the database. This variant has not been reported in the literature in individuals affected with BRCA2-related conditions. An algorithm developed to predict the effect of missense changes on protein structure and function (PolyPhen-2) suggests that this variant is likely to be disruptive. In summary, the available evidence is currently insufficient to determine the role of this variant in disease. Therefore, it has been classified as a Variant of Uncertain Significance. This sequence change replaces aspartic acid, which is acidic and polar, with threonine, which is neutral and polar, at codon 2661 of the BRCA2 protein (p.Asp2661Thr).

NM_000059.4(BRCA2):c.7981_7982delinsAC (p.Asp2661Thr)

Gene: BRCA2 (BRCA2 DNA repair associated; plus strand). Cytogenetic location: 13q13.1.
Variant type: Indel.
Coding change: c.7981_7982delinsAC on transcript NM_000059.4 (MANE Select); coding-DNA positions 7981 to 7982, GA replaced by AC.
Protein change: p.Asp2661Thr; replaces aspartic acid 2661 with threonine.
Molecular consequence: missense variant. On other transcripts: non-coding transcript variant (1).
Genome position (GRCh38, 1-based): chr13:32,363,183-32,363,184, GA replaced by AC. VCF-style: chr13-32363183-GA-AC. GRCh37 (hg19) VCF-style: chr13-32937320-GA-AC.
Other names: c.7885_7886delinsAC, p.Asp2629Thr (NM_001406719.1); c.7981_7982delinsAC, p.Asp2661Thr (NM_001406720.1); c.3049_3050delinsAC, p.Asp1017Thr (NM_001406721.1); c.1564_1565delinsAC, p.Asp522Thr (NM_001406722.1); short protein forms D522T, D1017T, D2661T, D2629T.
Identifiers: ClinVar variation 2844038 (VCV002844038.3), dbSNP rs2548546083, ClinGen allele CA2739277539.